The following is an entry in ClinVar:

NM_025257.3(SLC44A4):c.877C>G (p.Leu293Val)

Gene: SLC44A4 (solute carrier family 44 member 4; minus strand). Cytogenetic location: 6p21.33.
Variant type: single nucleotide variant.
Coding change: c.877C>G on transcript NM_025257.3 (MANE Select); coding-DNA position 877, C replaced by G.
Protein change: p.Leu293Val; replaces leucine 293 with valine.
Molecular consequence: missense variant.
Genome position (GRCh38, 1-based): chr6:31,870,872, G>C on the plus strand (C>G on the coding strand, the complement: SLC44A4 is on the minus strand). VCF-style: chr6-31870872-G-C. GRCh37 (hg19) VCF-style: chr6-31838649-G-C.
Other names: c.751C>G, p.Leu251Val (NM_001178044.2); c.649C>G, p.Leu217Val (NM_001178045.2); c.877C>G, p.Leu293Val (NM_032794.1); short protein forms L293V, L217V, L251V.
Identifiers: ClinVar variation 2122081 (VCV002122081.4), dbSNP rs1385523180, ClinGen allele CA363371683.

ClinVar aggregate classification (germline): Uncertain significance (1 of 4 stars; one submission).

Allele frequency attached by ClinVar (database versions not stated): TOPMed below 0.00001; gnomAD 0.00001; gnomAD exomes 0.00001.

Submission:

Labcorp Genetics (formerly Invitae), Labcorp
Classification: Uncertain significance. Last evaluated: 2022-04-06. Review status: criteria provided, single submitter. Criteria: Invitae Variant Classification Sherloc (09022015). Collection method: clinical testing. Allele origin: germline.
Comment: This sequence change replaces leucine, which is neutral and non-polar, with valine, which is neutral and non-polar, at codon 293 of the SLC44A4 protein (p.Leu293Val). This variant is present in population databases (no rsID available, gnomAD 0.0009%). In summary, the available evidence is currently insufficient to determine the role of this variant in disease. Therefore, it has been classified as a Variant of Uncertain Significance. Algorithms developed to predict the effect of sequence changes on RNA splicing suggest that this variant may disrupt the consensus splice site. Algorithms developed to predict the effect of missense changes on protein structure and function output the following: SIFT: "Not Available"; PolyPhen-2: "Benign"; Align-GVGD: "Not Available". The valine amino acid residue is found in multiple mammalian species, which suggests that this missense change does not adversely affect protein function. This variant has not been reported in the literature in individuals affected with SLC44A4-related conditions.